The following is an entry in ClinVar:

NM_005027.4(PIK3R2):c.721_741dup (p.Gly247_Ala248insProAlaValArgAlaLeuGly)

Genes: PIK3R2 (phosphoinositide-3-kinase regulatory subunit 2; plus strand), LOC130063979 (ATAC-STARR-seq lymphoblastoid silent region 10375; plus strand). Cytogenetic location: 19p13.11.
Variant type: Duplication.
Coding change: c.721_741dup on transcript NM_005027.4 (MANE Select); coding-DNA positions 721 to 741, 21 bases duplicated (CCCGCGGTCCGGGCCCTGGGC).
Protein change: p.Gly247_Ala248insProAlaValArgAlaLeuGly.
Molecular consequence: non-coding transcript variant (on NR_073517.2).
Genome position (GRCh38, 1-based): chr19:18,161,401-18,161,421, CCCGCGGTCCGGGCCCTGGGC duplicated. VCF-style (leftmost placement, unchanged base first): chr19-18161400-T-TCCCGCGGTCCGGGCCCTGGGC. GRCh37 (hg19) VCF-style: chr19-18272210-T-TCCCGCGGTCCGGGCCCTGGGC.
Identifiers: ClinVar variation 3653079 (VCV003653079.2).
Genomic context (GRCh38, chr19:18,161,400, plus strand): 5'-CACGCTGCGCTTCCTGCTCCAGCACCTGGGCCGCGTGGCCAGCCGCGCCCCGGCCCTGGG[T>TCCCGCGGTCCGGGCCCTGGGC]CCCGCGGTCCGGGCCCTGGGCGCCACCTTTGGGCCGCTGCTGCTGCGCGCGCCGCCGCCG-3'

ClinVar aggregate classification (germline): Uncertain significance (1 of 4 stars; one submission).

Conditions:
Megalencephaly-polymicrogyria-postaxial polydactyly-hydrocephalus syndrome. Also called: MPPH Syndrome; MEG-PMG-MEGACC SYNDROME. Identifiers: Orphanet 83473, MedGen C1863924, MONDO:0019375.

Submission:

Labcorp Genetics (formerly Invitae), Labcorp
Classification: Uncertain significance for Megalencephaly-polymicrogyria-postaxial polydactyly-hydrocephalus syndrome. Last evaluated: 2024-07-23. Review status: criteria provided, single submitter. Criteria: Invitae Variant Classification Sherloc (09022015). Collection method: clinical testing. Allele origin: germline.
Comment: This variant, c.721_741dup, results in the insertion of 7 amino acid(s) of the PIK3R2 protein (p.Pro241_Gly247dup), but otherwise preserves the integrity of the reading frame. This variant is not present in population databases (gnomAD no frequency). This variant has not been reported in the literature in individuals affected with PIK3R2-related conditions. In summary, the available evidence is currently insufficient to determine the role of this variant in disease. Therefore, it has been classified as a Variant of Uncertain Significance.